The following is an entry in ClinVar:

NM_001382273.1(TNK2):c.1765G>A (p.Gly589Ser)

Gene: TNK2 (tyrosine kinase non receptor 2; minus strand). Cytogenetic location: 3q29.
Variant type: single nucleotide variant.
Coding change: c.1765G>A on transcript NM_001382273.1 (MANE Select); coding-DNA position 1765, G replaced by A.
Protein change: p.Gly589Ser; replaces glycine 589 with serine.
Molecular consequence: missense variant. On other transcripts: non-coding transcript variant (15).
Genome position (GRCh38, 1-based): chr3:195,868,533, C>T on the plus strand (G>A on the coding strand, the complement: TNK2 is on the minus strand). VCF-style: chr3-195868533-C-T. GRCh37 (hg19) VCF-style: chr3-195595404-C-T.
Other names: c.1837G>A, p.Gly613Ser (NM_001010938.2, NM_001382272.1); c.1816G>A, p.Gly606Ser (NM_001308046.2, NM_001382271.1); c.1765G>A, p.Gly589Ser (NM_001382274.1, NM_001387716.1, NM_001387717.1 and 1 more transcripts); c.1861G>A, p.Gly621Ser (NM_001382275.1, NM_001387707.1); c.1720G>A, p.Gly574Ser (NM_001386164.1, NM_001387709.1, NM_001387710.1 and 8 more transcripts); c.1792G>A, p.Gly598Ser (NM_001387708.1, NM_001387715.1); c.1954G>A (NM_001010938.1); short protein forms G621S, G589S, G598S, G606S, G574S, G613S.
Identifiers: ClinVar variation 1408533 (VCV001408533.8), dbSNP rs751954076, ClinGen allele CA2776203.

ClinVar aggregate classification (germline): Uncertain significance. Review status: criteria provided, multiple submitters, no conflicts (2 of 4 stars). 2 submissions from 2 submitters: Uncertain significance (2). Last evaluated 2025-06-09.

Allele frequency attached by ClinVar (database versions not stated): gnomAD exomes 0.00004; ExAC 0.00008; gnomAD 0.00003 and 0.00004; TOPMed 0.00003.
gnomAD v4.1: 78 of 1,564,426 alleles (0.005%); highest among the groups gnomAD compares: South Asian, 0.011%; no homozygotes.

Submissions (2):

Ambry Genetics
Classification: Uncertain significance. Last evaluated: 2025-06-09. Review status: criteria provided, single submitter. Criteria: Ambry Variant Classification Scheme 2023. Collection method: clinical testing. Allele origin: germline.

Labcorp Genetics (formerly Invitae), Labcorp
Classification: Uncertain significance. Last evaluated: 2023-08-23. Review status: criteria provided, single submitter. Criteria: Invitae Variant Classification Sherloc (09022015). Collection method: clinical testing. Allele origin: germline.
Comment: Algorithms developed to predict the effect of missense changes on protein structure and function output the following: SIFT: "Not Available"; PolyPhen-2: "Benign"; Align-GVGD: "Not Available". The serine amino acid residue is found in multiple mammalian species, which suggests that this missense change does not adversely affect protein function. ClinVar contains an entry for this variant (Variation ID: 1408533). This variant has not been reported in the literature in individuals affected with TNK2-related conditions. This variant is present in population databases (rs751954076, gnomAD 0.02%). This sequence change replaces glycine, which is neutral and non-polar, with serine, which is neutral and polar, at codon 652 of the TNK2 protein (p.Gly652Ser). In summary, the available evidence is currently insufficient to determine the role of this variant in disease. Therefore, it has been classified as a Variant of Uncertain Significance.